The following is an entry in ClinVar:

NM_000179.3(MSH6):c.1512G>C (p.Lys504Asn)

Gene: MSH6 (mutS homolog 6; plus strand). Cytogenetic location: 2p16.3.
Variant type: single nucleotide variant.
Coding change: c.1512G>C on transcript NM_000179.3 (MANE Select); coding-DNA position 1512, G replaced by C.
Protein change: p.Lys504Asn; replaces lysine 504 with asparagine.
Molecular consequence: missense variant. On other transcripts: non-coding transcript variant (4), intron variant (1).
Genome position (GRCh38, 1-based): chr2:47,799,495, G>C. VCF-style: chr2-47799495-G-C. GRCh37 (hg19) VCF-style: chr2-48026634-G-C.
Other names: c.1122G>C, p.Lys374Asn (NM_001281492.2); c.606G>C, p.Lys202Asn (NM_001281493.2, NM_001281494.2, NM_001406811.1 and 6 more transcripts); c.1608G>C, p.Lys536Asn (NM_001406795.1, NM_001406802.1); c.1512G>C, p.Lys504Asn (NM_001406796.1, NM_001406798.1, NM_001406800.1 and 4 more transcripts); c.1215G>C, p.Lys405Asn (NM_001406797.1, NM_001406801.1, NM_001406805.1 and 10 more transcripts); c.987G>C, p.Lys329Asn (NM_001406799.1, NM_001406806.1, NM_001406807.1); c.1434G>C, p.Lys478Asn (NM_001406804.1); c.1518G>C, p.Lys506Asn (NM_001406813.1); and 2 more; short protein forms K405N, K478N, K504N, K202N, K506N, K536N, K329N, K374N.
Identifiers: ClinVar variation 2587321 (VCV002587321.2), dbSNP rs2104348639, ClinGen allele CA346746303.

ClinVar aggregate classification (germline): Uncertain significance (1 of 4 stars; one submission).

Conditions:
Hereditary cancer-predisposing syndrome. Also called: Tumor predisposition; Hereditary Cancer Syndrome; Hereditary neoplastic syndrome; Neoplastic Syndromes, Hereditary. Identifiers: Orphanet 140162, MedGen C0027672, MeSH D009386, MONDO:0015356.

gnomAD v4.1: 1 of 1,614,148 alleles (0.000062%); highest among the groups gnomAD compares: South Asian, 0.0011%; no homozygotes.

Submission:

Ambry Genetics
Classification: Uncertain significance for Hereditary cancer-predisposing syndrome. Last evaluated: 2023-06-21. Review status: criteria provided, single submitter. Criteria: Ambry Variant Classification Scheme 2023. Collection method: clinical testing. Allele origin: germline.
Comment: The p.K504N variant (also known as c.1512G>C), located in coding exon 4 of the MSH6 gene, results from a G to C substitution at nucleotide position 1512. The lysine at codon 504 is replaced by asparagine, an amino acid with similar properties. This amino acid position is conserved. In addition, the in silico prediction for this alteration is inconclusive. Since supporting evidence is limited at this time, the clinical significance of this alteration remains unclear.